The following is an entry in ClinVar:

NM_014271.4(IL1RAPL1):c.376T>C (p.Cys126Arg)

Gene: IL1RAPL1 (interleukin 1 receptor accessory protein like 1; plus strand). Cytogenetic location: Xp21.2.
Variant type: single nucleotide variant.
Coding change: c.376T>C on transcript NM_014271.4 (MANE Select); coding-DNA position 376, T replaced by C.
Protein change: p.Cys126Arg; replaces cysteine 126 with arginine.
Molecular consequence: missense variant.
Genome position (GRCh38, 1-based): chrX:29,396,271, T>C. VCF-style: chrX-29396271-T-C. GRCh37 (hg19) VCF-style: chrX-29414388-T-C.
Other names: short protein forms C126R.
Identifiers: ClinVar variation 2446640 (VCV002446640.1), dbSNP rs2519091682, ClinGen allele CA412632032.

ClinVar aggregate classification (germline): Uncertain significance (1 of 4 stars; one submission).

Submission:

GeneDx
Classification: Uncertain significance. Last evaluated: 2022-09-28. Review status: criteria provided, single submitter. Criteria: GeneDx Variant Classification Process June 2021. Collection method: clinical testing. Allele origin: germline. Affected: yes.
Comment: Not observed at significant frequency in large population cohorts (gnomAD); In silico analysis supports that this missense variant has a deleterious effect on protein structure/function; Has not been previously published as pathogenic or benign to our knowledge